The following is an entry in ClinVar:

ClinVar aggregate classification (germline): Pathogenic (1 of 4 stars; one submission).

Submission:

Labcorp Genetics (formerly Invitae), Labcorp
Classification: Pathogenic. Last evaluated: 2021-07-28. Review status: criteria provided, single submitter. Criteria: Invitae Variant Classification Sherloc (09022015). Collection method: clinical testing. Allele origin: germline.
Comment: This sequence change creates a premature translational stop signal (p.Trp4175*) in the USH2A gene. It is expected to result in an absent or disrupted protein product. Loss-of-function variants in USH2A are known to be pathogenic (PMID: 10729113, 10909849, 20507924, 25649381). This variant is not present in population databases (ExAC no frequency). This variant has not been reported in the literature in individuals affected with USH2A-related conditions. For these reasons, this variant has been classified as Pathogenic.

Literature cited by the submitters: PubMed 10729113; PubMed 10909849; PubMed 20507924; PubMed 25649381.

NM_206933.4(USH2A):c.12525G>A (p.Trp4175Ter)

Gene: USH2A (usherin; minus strand). Cytogenetic location: 1q41.
Variant type: single nucleotide variant.
Coding change: c.12525G>A on transcript NM_206933.4 (MANE Select); coding-DNA position 12525, G replaced by A.
Protein change: p.Trp4175Ter; replaces tryptophan 4175 with a stop codon.
Molecular consequence: nonsense.
Genome position (GRCh38, 1-based): chr1:215,675,386, C>T on the plus strand (G>A on the coding strand, the complement: USH2A is on the minus strand). VCF-style: chr1-215675386-C-T. GRCh37 (hg19) VCF-style: chr1-215848728-C-T.
Other names: short protein forms W4175*.
Identifiers: ClinVar variation 1440667 (VCV001440667.6), dbSNP rs1657987278, ClinGen allele CA344850719.